The following is an entry in ClinVar:

NM_000245.4(MET):c.3008A>G (p.Tyr1003Cys)

Gene: MET (MET proto-oncogene, receptor tyrosine kinase; plus strand). Cytogenetic location: 7q31.2.
Variant type: single nucleotide variant.
Coding change: c.3008A>G on transcript NM_000245.4 (MANE Select); coding-DNA position 3008, A replaced by G.
Protein change: p.Tyr1003Cys; replaces tyrosine 1003 with cysteine.
Molecular consequence: missense variant.
Genome position (GRCh38, 1-based): chr7:116,771,969, A>G. VCF-style: chr7-116771969-A-G. GRCh37 (hg19) VCF-style: chr7-116412023-A-G.
Other names: c.3062A>G, p.Tyr1021Cys (NM_001127500.3); c.1718A>G, p.Tyr573Cys (NM_001324402.2); short protein forms Y1003C, Y1021C, Y573C.
Identifiers: ClinVar variation 1721024 (VCV001721024.5), dbSNP rs2116997492, ClinGen allele CA368987441.

ClinVar aggregate classification (germline): Uncertain significance (1 of 4 stars; one submission).

Conditions:
Renal cell carcinoma. Identifiers: Orphanet 217071, MedGen C0007134, MeSH D002292, MONDO:0005086, HP:0005584.

Submission:

Labcorp Genetics (formerly Invitae), Labcorp
Classification: Uncertain significance for Renal cell carcinoma. Last evaluated: 2022-07-20. Review status: criteria provided, single submitter. Criteria: Invitae Variant Classification Sherloc (09022015). Collection method: clinical testing. Allele origin: germline.
Comment: In summary, the available evidence is currently insufficient to determine the role of this variant in disease. Therefore, it has been classified as a Variant of Uncertain Significance. Algorithms developed to predict the effect of missense changes on protein structure and function are either unavailable or do not agree on the potential impact of this missense change (SIFT: "Deleterious"; PolyPhen-2: "Probably Damaging"; Align-GVGD: "Class C0"). This variant has not been reported in the literature in individuals affected with MET-related conditions. This variant is not present in population databases (gnomAD no frequency). This sequence change replaces tyrosine, which is neutral and polar, with cysteine, which is neutral and slightly polar, at codon 1021 of the MET protein (p.Tyr1021Cys).